The following is an entry in ClinVar:

NM_024408.4(NOTCH2):c.5958T>C (p.Ala1986=)

Gene: NOTCH2 (notch receptor 2; minus strand). Cytogenetic location: 1p12.
Variant type: single nucleotide variant.
Coding change: c.5958T>C on transcript NM_024408.4 (MANE Select); coding-DNA position 5958, T replaced by C.
Protein change: p.Ala1986=; no amino-acid change (alanine 1986 retained).
Molecular consequence: synonymous variant.
Genome position (GRCh38, 1-based): chr1:119,917,734, A>G on the plus strand (T>C on the coding strand, the complement: NOTCH2 is on the minus strand). VCF-style: chr1-119917734-A-G. GRCh37 (hg19) VCF-style: chr1-120460357-A-G.
Other names: c.5958T>C (NM_024408.3).
Identifiers: ClinVar variation 498173 (VCV000498173.12), dbSNP rs563486507, ClinGen allele CA1039529.

ClinVar aggregate classification (germline): Conflicting classifications of pathogenicity. Review status: criteria provided, conflicting classifications (1 of 4 stars). 4 submissions from 4 submitters: Uncertain significance (1); Likely benign (2). 1 of the submissions does not count toward it. Last evaluated 2025-04-14.

Conditions:
NOTCH2-related disorder. Also called: NOTCH2-related condition.
Hajdu-Cheney syndrome (HJCYS). Also called: Acroosteolysis dominant type; ACROOSTEOLYSIS WITH OSTEOPOROSIS AND CHANGES IN SKULL AND MANDIBLE; SERPENTINE FIBULA-POLYCYSTIC KIDNEY SYNDROME. Identifiers: Orphanet 955, MedGen C0917715, MONDO:0007057, OMIM 102500.

Allele frequency attached by ClinVar (database versions not stated): ExAC 0.00002; gnomAD 0.00004 and 0.00005; gnomAD exomes 0.00004 and 0.00005; TOPMed 0.00005.
gnomAD v4.1: 67 of 1,613,716 alleles (0.0042%); highest among the groups gnomAD compares: Middle Eastern, 0.082%; no homozygotes.

Submissions (4):

Labcorp Genetics (formerly Invitae), Labcorp
Classification: Likely benign for Hajdu-Cheney syndrome. Last evaluated: 2025-04-14. Review status: criteria provided, single submitter. Criteria: Invitae Variant Classification Sherloc (09022015). Collection method: clinical testing. Allele origin: germline.

Blueprint Genetics
Classification: Likely benign. Last evaluated: 2023-09-07. Review status: criteria provided, single submitter. Criteria: ACMG Guidelines, 2015. Collection method: clinical testing. Allele origin: germline.

Eurofins Ntd Llc (ga)
Classification: Uncertain significance. Last evaluated: 2016-10-26. Review status: criteria provided, single submitter. Criteria: EGL Classification Definitions 2015. Collection method: clinical testing. Allele origin: germline. Observed: 1 variant allele, 1 heterozygote.

PreventionGenetics, part of Exact Sciences
Classification: Likely benign for NOTCH2-related condition. Last evaluated: 2024-07-08. Review status: no assertion criteria provided. Collection method: clinical testing. Allele origin: germline. Not counted in ClinVar's aggregate classification.
Comment: This variant is classified as likely benign based on ACMG/AMP sequence variant interpretation guidelines (Richards et al. 2015 PMID: 25741868, with internal and published modifications).